The following is an entry in ClinVar:

ClinVar aggregate classification (germline): Uncertain significance (1 of 4 stars; one submission).

gnomAD v4.1: 9 of 1,613,718 alleles (0.00056%); highest among the groups gnomAD compares: Middle Eastern, 0.033%; no homozygotes.

Submission:

GeneDx
Classification: Uncertain significance. Last evaluated: 2019-10-07. Review status: criteria provided, single submitter. Criteria: GeneDx Variant Classification Process June 2021. Collection method: clinical testing. Allele origin: germline. Affected: yes.
Comment: Not observed in large population cohorts (Lek et al., 2016); In silico analysis, which includes protein predictors and evolutionary conservation, supports that this variant does not alter protein structure/function; Has not been previously published as pathogenic or benign to our knowledge

NM_001164508.2(NEB):c.9131A>G (p.Gln3044Arg)

Gene: NEB (nebulin; minus strand). Cytogenetic location: 2q23.3.
Variant type: single nucleotide variant.
Coding change: c.9131A>G on transcript NM_001164508.2 (MANE Select); coding-DNA position 9131, A replaced by G.
Protein change: p.Gln3044Arg; replaces glutamine 3044 with arginine.
Molecular consequence: missense variant. On other transcripts: intron variant (1).
Genome position (GRCh38, 1-based): chr2:151,633,937, T>C on the plus strand (A>G on the coding strand, the complement: NEB is on the minus strand). VCF-style: chr2-151633937-T-C. GRCh37 (hg19) VCF-style: chr2-152490451-T-C.
Other names: c.9131A>G, p.Gln3044Arg (NM_001164507.2, NM_001271208.2); c.8854-2759A>G (NM_004543.5); short protein forms Q3044R.
Identifiers: ClinVar variation 1312121 (VCV001312121.2), dbSNP rs2154081382, ClinGen allele CA348804374.
Genomic context (GRCh38, chr2:151,633,937, plus strand): 5'-ATGGACCACATCATCTTGGGGTCATCTTCAATGTTCCGGGCTCCAATATGGTGGCCAAGT[T>C]GCTTGCAGTAACCATCTTTATATTTGTACTAAAATGAAAATGCACAAATCAGGTTTTTAT-3'
Protein context (NP_001157980.2, residues 3034-3054): DYKYKDGYCK[Gln3044Arg]LGHHIGARNI